The following is an entry in ClinVar:

ClinVar aggregate classification (germline): Uncertain significance (1 of 4 stars; one submission).

Conditions:
Developmental and epileptic encephalopathy, 25 (DEE25). Also called: Epileptic encephalopathy, early infantile, 25; Developmental and epileptic encephalopathy 25, with amelogenesis imperfecta; Epileptic encephalopathy, early infantile, 25, with amelogenesis imperfecta. Identifiers: Orphanet 442835, MedGen C4014621, MONDO:0014392, OMIM 615905.

Submission:

Labcorp Genetics (formerly Invitae), Labcorp
Classification: Uncertain significance for Developmental and epileptic encephalopathy, 25. Last evaluated: 2022-08-22. Review status: criteria provided, single submitter. Criteria: Invitae Variant Classification Sherloc (09022015). Collection method: clinical testing. Allele origin: germline.
Comment: In summary, the available evidence is currently insufficient to determine the role of this variant in disease. Therefore, it has been classified as a Variant of Uncertain Significance. Algorithms developed to predict the effect of sequence changes on RNA splicing suggest that this variant may create or strengthen a splice site. This variant has not been reported in the literature in individuals affected with SLC13A5-related conditions. This variant is not present in population databases (gnomAD no frequency). This sequence change affects codon 131 of the SLC13A5 mRNA. It is a 'silent' change, meaning that it does not change the encoded amino acid sequence of the SLC13A5 protein.

NM_177550.5(SLC13A5):c.393C>T (p.Val131=)

Gene: SLC13A5 (solute carrier family 13 member 5; minus strand). Cytogenetic location: 17p13.1.
Variant type: single nucleotide variant.
Coding change: c.393C>T on transcript NM_177550.5 (MANE Select); coding-DNA position 393, C replaced by T.
Protein change: p.Val131=; no amino-acid change (valine 131 retained).
Molecular consequence: synonymous variant. On other transcripts: intron variant (1).
Genome position (GRCh38, 1-based): chr17:6,704,032, G>A on the plus strand (C>T on the coding strand, the complement: SLC13A5 is on the minus strand). VCF-style: chr17-6704032-G-A. GRCh37 (hg19) VCF-style: chr17-6607351-G-A.
Other names: c.393C>T, p.Val131= (NM_001143838.3); c.264C>T, p.Val88= (NM_001284510.2); c.369-27C>T (NM_001284509.2).
Identifiers: ClinVar variation 1960497 (VCV001960497.5), dbSNP rs1973794870, ClinGen allele CA497596641.